The following is an entry in ClinVar:

ClinVar aggregate classification (germline): Benign/Likely benign. Review status: criteria provided, multiple submitters, no conflicts (2 of 4 stars). 4 submissions from 4 submitters: Benign (2); Likely benign (2). Last evaluated 2023-06-01.

Conditions:
Xeroderma pigmentosum, group G (XPG). Also called: XERODERMA PIGMENTOSUM VII; XP, GROUP G; Xeroderma pigmentosum type 7; ERCC5-Related Xeroderma Pigmentosum. Identifiers: MedGen C0268141, MONDO:0010216, OMIM 278780.

Allele frequency attached by ClinVar (database versions not stated): 1000 Genomes Project 0.00599; 1000 Genomes Project 30x 0.00609; TOPMed 0.00733; gnomAD 0.00961 and 0.00995; gnomAD exomes 0.01024.
gnomAD v4.1: 5,933 of 589,016 alleles (1%); highest among the groups gnomAD compares: Non-Finnish European, 1.2%; 45 homozygotes.

Submissions (4):

CeGaT Center for Human Genetics Tuebingen
Classification: Benign. Last evaluated: 2023-06-01. Review status: criteria provided, single submitter. Criteria: CeGaT Center For Human Genetics Tuebingen Variant Classification Criteria Version 2. Collection method: clinical testing. Allele origin: germline. Affected: yes. Observed: 9 variant alleles.
Comment: ERCC5: BS1, BS2

GeneDx
Classification: Likely benign. Last evaluated: 2019-05-06. Review status: criteria provided, single submitter. Criteria: GeneDx Variant Classification Process June 2021. Collection method: clinical testing. Allele origin: germline. Affected: yes.

Illumina Laboratory Services, Illumina
Classification: Benign for Xeroderma pigmentosum, group G. Last evaluated: 2018-01-13. Review status: criteria provided, single submitter. Criteria: ICSL Variant Classification Criteria 13 December 2019. Collection method: clinical testing. Allele origin: germline.
Comment: This variant was observed in the ICSL laboratory as part of a predisposition screen in an ostensibly healthy population. It had not been previously curated by ICSL or reported in the Human Gene Mutation Database (HGMD: prior to June 1st, 2018), and was therefore a candidate for classification through an automated scoring system. Utilizing variant allele frequency, disease prevalence and penetrance estimates, and inheritance mode, an automated score was calculated to assess if this variant is too frequent to cause the disease. Based on the score and internal cut-off values, a variant classified as benign is not then subjected to further curation. The score for this variant resulted in a classification of benign for this disease.

Breakthrough Genomics
Classification: Likely benign. Review status: criteria provided, single submitter. Criteria: ACMG Guidelines, 2015. Collection method: not provided. Allele origin: germline. Inheritance: Autosomal recessive inheritance. Affected: yes.

NM_000123.4(ERCC5):c.-200G>C

Genes: BIVM-ERCC5 (BIVM-ERCC5 readthrough; plus strand), ERCC5 (ERCC excision repair 5, endonuclease; plus strand). Cytogenetic location: 13q33.1.
Variant type: single nucleotide variant.
Coding change: c.-200G>C on transcript NM_000123.4 (MANE Select); 200 bases upstream of the start codon, G replaced by C.
Molecular consequence: 5 prime UTR variant. On other transcripts: intron variant (1).
Genome position (GRCh38, 1-based): chr13:102,846,067, G>C. VCF-style: chr13-102846067-G-C. GRCh37 (hg19) VCF-style: chr13-103498417-G-C.
Other names: c.1451-6051G>C (NM_001204425.2).
Identifiers: ClinVar variation 310906 (VCV000310906.32), dbSNP rs76752300, ClinGen allele CA10643658.